The following is an entry in ClinVar:

ClinVar aggregate classification (germline): Uncertain significance. Review status: criteria provided, multiple submitters, no conflicts (2 of 4 stars). 3 submissions from 3 submitters: Uncertain significance (3). Last evaluated 2022-08-09.

Conditions:
Nephronophthisis. Also called: Juvenile Nephronophthisis. Identifiers: Orphanet 655, MedGen C0687120, MONDO:0019005, HP:0000090.
Infantile nephronophthisis (NPHP2). Also called: Nephronophthisis 2, infantile; Nephronophthisis 2. Identifiers: Orphanet 655, Orphanet 93591, MedGen C1865872, MONDO:0011190, OMIM 602088.

Allele frequency attached by ClinVar (database versions not stated): gnomAD exomes 0.00002 and 0.00008; ExAC 0.00004; TOPMed 0.00014; 1000 Genomes Project 30x 0.00016; 1000 Genomes Project 0.00020.
gnomAD v4.1: 57 of 1,613,882 alleles (0.0035%); highest among the groups gnomAD compares: Admixed American, 0.063%; no homozygotes.

Submissions (3):

Labcorp Genetics (formerly Invitae), Labcorp
Classification: Uncertain significance for Nephronophthisis. Last evaluated: 2022-08-09. Review status: criteria provided, single submitter. Criteria: Invitae Variant Classification Sherloc (09022015). Collection method: clinical testing. Allele origin: germline.
Comment: This sequence change replaces arginine, which is basic and polar, with cysteine, which is neutral and slightly polar, at codon 914 of the INVS protein (p.Arg914Cys). This variant is present in population databases (rs201904771, gnomAD 0.04%). This variant has not been reported in the literature in individuals affected with INVS-related conditions. ClinVar contains an entry for this variant (Variation ID: 595350). Algorithms developed to predict the effect of missense changes on protein structure and function are either unavailable or do not agree on the potential impact of this missense change (SIFT: "Deleterious"; PolyPhen-2: "Probably Damaging"; Align-GVGD: "Class C0"). In summary, the available evidence is currently insufficient to determine the role of this variant in disease. Therefore, it has been classified as a Variant of Uncertain Significance.

Fulgent Genetics
Classification: Uncertain significance for Infantile nephronophthisis. Last evaluated: 2022-02-15. Review status: criteria provided, single submitter. Criteria: ACMG Guidelines, 2015. Collection method: clinical testing. Allele origin: unknown.

Eurofins Ntd Llc (ga)
Classification: Uncertain significance. Last evaluated: 2017-12-12. Review status: criteria provided, single submitter. Criteria: EGL Classification Definitions 2015. Collection method: clinical testing. Allele origin: germline. Observed: 1 variant allele, 1 heterozygote.

NM_014425.5(INVS):c.2740C>T (p.Arg914Cys)

Gene: INVS (inversin; plus strand). Cytogenetic location: 9q31.1.
Variant type: single nucleotide variant.
Coding change: c.2740C>T on transcript NM_014425.5 (MANE Select); coding-DNA position 2740, C replaced by T.
Protein change: p.Arg914Cys; replaces arginine 914 with cysteine.
Molecular consequence: missense variant. On other transcripts: non-coding transcript variant (1).
Genome position (GRCh38, 1-based): chr9:100,292,997, C>T. VCF-style: chr9-100292997-C-T. GRCh37 (hg19) VCF-style: chr9-103055279-C-T.
Other names: c.2452C>T, p.Arg818Cys (NM_001318381.2); c.1762C>T, p.Arg588Cys (NM_001318382.2); short protein forms R914C, R818C, R588C.
Identifiers: ClinVar variation 595350 (VCV000595350.10), dbSNP rs201904771, ClinGen allele CA5158684.